The following is an entry in ClinVar:

ClinVar aggregate classification (germline): Likely benign (0 of 4 stars; one submission).

Conditions:
NCOR2-related disorder. Also called: NCOR2-related condition.

Allele frequency attached by ClinVar (database versions not stated): gnomAD exomes 0.00017; ExAC 0.00058; gnomAD 0.00141; TOPMed 0.00179; 1000 Genomes Project 0.00180; 1000 Genomes Project 30x 0.00187; ESP Exome Variant Server 0.00202.
gnomAD v4.1: 472 of 1,613,660 alleles (0.029%); highest among the groups gnomAD compares: African/African-American, 0.51%; 1 homozygote.

Submission:

PreventionGenetics, part of Exact Sciences
Classification: Likely benign for NCOR2-related condition. Last evaluated: 2019-06-04. Review status: no assertion criteria provided. Collection method: clinical testing. Allele origin: germline.
Comment: This variant is classified as likely benign based on ACMG/AMP sequence variant interpretation guidelines (Richards et al. 2015 PMID: 25741868, with internal and published modifications).

NM_006312.6(NCOR2):c.1414C>T (p.Leu472=)

Gene: NCOR2 (nuclear receptor corepressor 2; minus strand). Cytogenetic location: 12q24.31.
Variant type: single nucleotide variant.
Coding change: c.1414C>T on transcript NM_006312.6 (MANE Select); coding-DNA position 1414, C replaced by T.
Protein change: p.Leu472=; no amino-acid change (leucine 472 retained).
Molecular consequence: synonymous variant.
Genome position (GRCh38, 1-based): chr12:124,420,025, G>A on the plus strand (C>T on the coding strand, the complement: NCOR2 is on the minus strand). VCF-style: chr12-124420025-G-A. GRCh37 (hg19) VCF-style: chr12-124904571-G-A.
Other names: c.1411C>T, p.Leu471= (NM_001077261.4, NM_001206654.2).
Identifiers: ClinVar variation 3044815 (VCV003044815.2), dbSNP rs201420194, ClinGen allele CA6869506.